The following is an entry in ClinVar:

NM_016824.5(ADD3):c.1804C>A (p.Gln602Lys)

Gene: ADD3 (adducin 3; plus strand). Cytogenetic location: 10q25.2.
Variant type: single nucleotide variant.
Coding change: c.1804C>A on transcript NM_016824.5 (MANE Select); coding-DNA position 1804, C replaced by A.
Protein change: p.Gln602Lys; replaces glutamine 602 with lysine.
Molecular consequence: missense variant. On other transcripts: intron variant (2).
Genome position (GRCh38, 1-based): chr10:110,132,376, C>A. VCF-style: chr10-110132376-C-A. GRCh37 (hg19) VCF-style: chr10-111892134-C-A.
Other names: c.1804C>A, p.Gln602Lys (NM_001320591.2, NM_001320592.2, NM_001320593.2); c.1570C>A, p.Gln524Lys (NM_001320594.2); c.1733-950C>A (NM_019903.5, NM_001121.4); short protein forms Q602K, Q524K.
Identifiers: ClinVar variation 1514379 (VCV001514379.4), dbSNP rs149714005, ClinGen allele CA5686733.

ClinVar aggregate classification (germline): Uncertain significance (1 of 4 stars; one submission).

Allele frequency attached by ClinVar (database versions not stated): 1000 Genomes Project 30x 0.00016; 1000 Genomes Project 0.00020; gnomAD 0.00024 and 0.00025; TOPMed 0.00027; gnomAD exomes 0.00030 and 0.00031; ExAC 0.00042; ESP Exome Variant Server 0.00046.
gnomAD v4.1: 489 of 1,612,958 alleles (0.03%); highest among the groups gnomAD compares: Non-Finnish European, 0.038%; no homozygotes.

Submission:

Labcorp Genetics (formerly Invitae), Labcorp
Classification: Uncertain significance. Last evaluated: 2025-08-21. Review status: criteria provided, single submitter. Criteria: Invitae Variant Classification Sherloc (09022015). Collection method: clinical testing. Allele origin: germline.
Comment: This sequence change replaces glutamine, which is neutral and polar, with lysine, which is basic and polar, at codon 602 of the ADD3 protein (p.Gln602Lys). This variant is present in population databases (rs149714005, gnomAD 0.06%). This variant has not been reported in the literature in individuals affected with ADD3-related conditions. ClinVar contains an entry for this variant (Variation ID: 1514379). An algorithm developed to predict the effect of missense changes on protein structure and function (PolyPhen-2) suggests that this variant is likely to be tolerated. In summary, the available evidence is currently insufficient to determine the role of this variant in disease. Therefore, it has been classified as a Variant of Uncertain Significance.